The following is an entry in ClinVar:

ClinVar aggregate classification (germline): Uncertain significance. Review status: criteria provided, multiple submitters, no conflicts (2 of 4 stars). 3 submissions from 3 submitters: Uncertain significance (3). Last evaluated 2024-12-22.

Conditions:
POLD1-related polyposis and colorectal cancer syndrome (CRCS10). Also called: COLORECTAL CANCER, SUSCEPTIBILITY TO, ON CHROMOSOME 19q; Colorectal cancer 10; Colorectal cancer, susceptibility to, 10. Identifiers: Orphanet 220460, MedGen C2675481, MONDO:0012953, OMIM 612591.
Hereditary cancer-predisposing syndrome. Also called: Hereditary Cancer Syndrome; Neoplastic Syndromes, Hereditary; Hereditary neoplastic syndrome; Tumor predisposition. Identifiers: Orphanet 140162, MedGen C0027672, MeSH D009386, MONDO:0015356.

Allele frequency attached by ClinVar (database versions not stated): gnomAD exomes 0.00001.
gnomAD v4.1: 21 of 1,577,528 alleles (0.0013%); highest among the groups gnomAD compares: Admixed American, 0.0018%; no homozygotes.

Submissions (3):

Labcorp Genetics (formerly Invitae), Labcorp
Classification: Uncertain significance for POLD1-related polyposis and colorectal cancer syndrome. Last evaluated: 2024-12-22. Review status: criteria provided, single submitter. Criteria: Invitae Variant Classification Sherloc (09022015). Collection method: clinical testing. Allele origin: germline.
Comment: This sequence change replaces phenylalanine, which is neutral and non-polar, with leucine, which is neutral and non-polar, at codon 799 of the POLD1 protein (p.Phe799Leu). The frequency data for this variant in the population databases is considered unreliable, as metrics indicate poor data quality at this position in the gnomAD database. This variant has not been reported in the literature in individuals affected with POLD1-related conditions. ClinVar contains an entry for this variant (Variation ID: 239288). Invitae Evidence Modeling of protein sequence and biophysical properties (such as structural, functional, and spatial information, amino acid conservation, physicochemical variation, residue mobility, and thermodynamic stability) indicates that this missense variant is not expected to disrupt POLD1 protein function with a negative predictive value of 80%. RNA analysis performed to evaluate the impact of this missense change on mRNA splicing indicates it does not significantly alter splicing (internal data). In summary, the available evidence is currently insufficient to determine the role of this variant in disease. Therefore, it has been classified as a Variant of Uncertain Significance.

Ambry Genetics
Classification: Uncertain significance for Hereditary cancer-predisposing syndrome. Last evaluated: 2024-12-18. Review status: criteria provided, single submitter. Criteria: Ambry Variant Classification Scheme 2023. Collection method: clinical testing. Allele origin: germline.
Comment: The p.F799L variant (also known as c.2397C>A), located in coding exon 19 of the POLD1 gene, results from a C to A substitution at nucleotide position 2397. The phenylalanine at codon 799 is replaced by leucine, an amino acid with highly similar properties. This amino acid position is conserved. In addition, this alteration is predicted to be tolerated by in silico analysis. Based on the available evidence, the clinical significance of this variant remains unclear.

GeneDx
Classification: Uncertain significance. Last evaluated: 2023-07-05. Review status: criteria provided, single submitter. Criteria: GeneDx Variant Classification Process June 2021. Collection method: clinical testing. Allele origin: germline. Affected: yes.
Comment: Not observed at significant frequency in large population cohorts (gnomAD); In silico analysis supports that this missense variant has a deleterious effect on protein structure/function; Has not been previously published as pathogenic or benign to our knowledge; This variant is associated with the following publications: (PMID: 20951805)

NM_002691.4(POLD1):c.2397C>A (p.Phe799Leu)

Gene: POLD1 (DNA polymerase delta 1, catalytic subunit; plus strand). Cytogenetic location: 19q13.33.
Variant type: single nucleotide variant.
Coding change: c.2397C>A on transcript NM_002691.4 (MANE Select); coding-DNA position 2397, C replaced by A.
Protein change: p.Phe799Leu; replaces phenylalanine 799 with leucine.
Molecular consequence: missense variant. On other transcripts: non-coding transcript variant (1).
Genome position (GRCh38, 1-based): chr19:50,414,823, C>A. VCF-style: chr19-50414823-C-A. GRCh37 (hg19) VCF-style: chr19-50918080-C-A.
Other names: c.2397C>A, p.Phe799Leu (NM_001256849.1); c.2475C>A, p.Phe825Leu (NM_001308632.1); short protein forms F799L, F825L.
Identifiers: ClinVar variation 239288 (VCV000239288.15), dbSNP rs878854535, ClinGen allele CA10583841.
Genomic context (GRCh38, chr19:50,414,823, plus strand): 5'-ATTGGGGCTTGGCCTCCTCAGGCTCAGGGTCTTGGCCATGGCTCCCTCCCAGGTCTACTT[C>A]CCATACCTGCTTATCAGCAAGAAGCGCTACGCGGGCCTGCTCTTCTCCTCCCGGCCCGAC-3'
Protein context (NP_002682.2, residues 789-809): PIRLEFEKVY[Phe799Leu]PYLLISKKRY